The following is an entry in ClinVar:

NM_001367805.3(KIF23):c.2907C>T (p.Pro969=)

Gene: KIF23 (kinesin family member 23; plus strand). Cytogenetic location: 15q23.
Variant type: single nucleotide variant.
Coding change: c.2907C>T on transcript NM_001367805.3 (MANE Select); coding-DNA position 2907, C replaced by T.
Protein change: p.Pro969=; no amino-acid change (proline 969 retained).
Molecular consequence: synonymous variant. On other transcripts: 3 prime UTR variant (1), non-coding transcript variant (2).
Genome position (GRCh38, 1-based): chr15:69,446,939, C>T. VCF-style: chr15-69446939-C-T. GRCh37 (hg19) VCF-style: chr15-69739278-C-T.
Other names: c.2283C>T, p.Pro761= (NM_001281301.2); c.*47C>T (NM_001367804.2); c.2553C>T, p.Pro851= (NM_004856.7); c.2865C>T, p.Pro955= (NM_138555.4).
Identifiers: ClinVar variation 748028 (VCV000748028.32), dbSNP rs769489533, ClinGen allele CA7635504.
Genomic context (GRCh38, chr15:69,446,939, plus strand): 5'-GGCTGTGGAGATGAGAGCAGGATCCCAGCTGGGACCTGGATATCAGCATCACGCACAACC[C>T]AAGTGAGTACTGACTGTAATTGGGGTCTTGCTGTGTGCTTTTTTCCTCCTCTGGTCTTTA-3'
Protein context (NP_001354734.1, residues 959-974): LGPGYQHHAQ[Pro969=]KRKKP

ClinVar aggregate classification (germline): Likely benign. Review status: criteria provided, multiple submitters, no conflicts (2 of 4 stars). 2 submissions from 2 submitters: Likely benign (2). Last evaluated 2025-09-07.

Allele frequency attached by ClinVar (database versions not stated): ExAC 0.00004; gnomAD exomes 0.00004 and 0.00005; TOPMed 0.00004; gnomAD 0.00005 and 0.00007.
gnomAD v4.1: 76 of 1,613,722 alleles (0.0047%); highest among the groups gnomAD compares: Non-Finnish European, 0.0053%; no homozygotes.

Submissions (5):

Labcorp Genetics (formerly Invitae), Labcorp
Classification: Likely benign. Last evaluated: 2025-09-07. Review status: criteria provided, single submitter. Criteria: Invitae Variant Classification Sherloc (09022015). Collection method: clinical testing. Allele origin: germline.

CeGaT Center for Human Genetics Tuebingen
Classification: Likely benign. Last evaluated: 2023-01-01. Review status: criteria provided, single submitter. Criteria: CeGaT Center For Human Genetics Tuebingen Variant Classification Criteria Version 2. Collection method: clinical testing. Allele origin: germline. Affected: yes. Observed: 1 variant allele.
Comment: KIF23: BP4, BP7

Dr. Peter K. Rogan Lab, Western University
No classification provided (evidence only). Condition: Familial cancer of breast. Review status: no classification provided. Collection method: in vitro. Allele origin: not applicable. Functional consequence: retained intron. Not counted in ClinVar's aggregate classification.

Dr. Peter K. Rogan Lab, Western University
No classification provided (evidence only). Condition: Gastric cancer. Review status: no classification provided. Collection method: in vitro. Allele origin: not applicable. Functional consequence: retained intron. Not counted in ClinVar's aggregate classification.

Dr. Peter K. Rogan Lab, Western University
No classification provided (evidence only). Condition: Malignant tumor of esophagus. Review status: no classification provided. Collection method: in vitro. Allele origin: not applicable. Functional consequence: retained intron. Not counted in ClinVar's aggregate classification.